The following is an entry in ClinVar:

NM_007373.4(SHOC2):c.110A>G (p.Glu37Gly)

Gene: SHOC2 (SHOC2 leucine rich repeat scaffold protein; plus strand). Cytogenetic location: 10q25.2.
Variant type: single nucleotide variant.
Coding change: c.110A>G on transcript NM_007373.4 (MANE Select); coding-DNA position 110, A replaced by G.
Protein change: p.Glu37Gly; replaces glutamic acid 37 with glycine.
Molecular consequence: missense variant.
Genome position (GRCh38, 1-based): chr10:110,964,468, A>G. VCF-style: chr10-110964468-A-G. GRCh37 (hg19) VCF-style: chr10-112724226-A-G.
Other names: c.110A>G, p.Glu37Gly (NM_001269039.3, NM_001324336.2, NM_001324337.2); short protein forms E37G.
Identifiers: ClinVar variation 2076274 (VCV002076274.4), dbSNP rs1255903638, ClinGen allele CA378381447.

ClinVar aggregate classification (germline): Uncertain significance (1 of 4 stars; one submission).

Conditions:
RASopathy. Also called: Noonan spectrum disorder; rasopathies. Identifiers: Orphanet 536391, MedGen C5555857, MONDO:0021060.

Allele frequency attached by ClinVar (database versions not stated): gnomAD 0.00001; TOPMed 0.00001; gnomAD exomes below 0.00001.
gnomAD v4.1: 2 of 1,613,916 alleles (0.00012%); highest among the groups gnomAD compares: Non-Finnish European, 0.00017%; no homozygotes.

Submission:

Labcorp Genetics (formerly Invitae), Labcorp
Classification: Uncertain significance for RASopathy. Last evaluated: 2024-11-21. Review status: criteria provided, single submitter. Criteria: Invitae Variant Classification Sherloc (09022015). Collection method: clinical testing. Allele origin: germline.
Comment: This sequence change replaces glutamic acid, which is acidic and polar, with glycine, which is neutral and non-polar, at codon 37 of the SHOC2 protein (p.Glu37Gly). This variant is not present in population databases (gnomAD no frequency). This variant has not been reported in the literature in individuals affected with SHOC2-related conditions. ClinVar contains an entry for this variant (Variation ID: 2076274). An algorithm developed to predict the effect of missense changes on protein structure and function (PolyPhen-2) suggests that this variant is likely to be tolerated. In summary, the available evidence is currently insufficient to determine the role of this variant in disease. Therefore, it has been classified as a Variant of Uncertain Significance.